The following is an entry in ClinVar:

NM_001081.4(CUBN):c.6049G>A (p.Val2017Met)

Gene: CUBN (cubilin; minus strand). Cytogenetic location: 10p13.
Variant type: single nucleotide variant.
Coding change: c.6049G>A on transcript NM_001081.4 (MANE Select); coding-DNA position 6049, G replaced by A.
Protein change: p.Val2017Met; replaces valine 2017 with methionine.
Molecular consequence: missense variant.
Genome position (GRCh38, 1-based): chr10:16,933,162, C>T on the plus strand (G>A on the coding strand, the complement: CUBN is on the minus strand). VCF-style: chr10-16933162-C-T. GRCh37 (hg19) VCF-style: chr10-16975161-C-T.
Other names: short protein forms V2017M.
Identifiers: ClinVar variation 2073372 (VCV002073372.6), dbSNP rs76555786, ClinGen allele CA5423819.

ClinVar aggregate classification (germline): Uncertain significance. Review status: criteria provided, multiple submitters, no conflicts (2 of 4 stars). 3 submissions from 3 submitters: Uncertain significance (3). Last evaluated 2025-07-25.

Conditions:
Imerslund-Grasbeck syndrome type 1 (IGS1). Also called: Imerslund-Gräsbeck syndrome 1; Megaloblastic anemia 1, Finnish type; MEGALOBLASTIC ANEMIA, 1. Identifiers: MedGen C4016819, MONDO:0100156, OMIM 261100.
Proteinuria, chronic benign. Identifiers: MedGen C5394384, MONDO:0030042, OMIM 618884.
Inborn genetic diseases. Identifiers: MedGen C0950123, MeSH D030342.
Imerslund-Grasbeck syndrome. Also called: ENTEROCYTE COBALAMIN MALABSORPTION; ENTEROCYTE INTRINSIC FACTOR RECEPTOR, DEFECT OF; PERNICIOUS ANEMIA, JUVENILE, DUE TO SELECTIVE INTESTINAL MALABSORPTION OF VITAMIN B12, WITH PROTEINURIA; Imerslund-Gräsbeck syndrome; Megaloblastic anemia due to inborn errors of metabolism. Identifiers: Orphanet 35858, MedGen C4551825, MONDO:0009853.

gnomAD v4.1: 24 of 1,613,884 alleles (0.0015%); highest among the groups gnomAD compares: Middle Eastern, 0.016%; 1 homozygote.

Submissions (3):

Labcorp Genetics (formerly Invitae), Labcorp
Classification: Uncertain significance for Imerslund-Grasbeck syndrome. Last evaluated: 2025-07-25. Review status: criteria provided, single submitter. Criteria: Invitae Variant Classification Sherloc (09022015). Collection method: clinical testing. Allele origin: germline.
Comment: This sequence change replaces valine, which is neutral and non-polar, with methionine, which is neutral and non-polar, at codon 2017 of the CUBN protein (p.Val2017Met). This variant is present in population databases (rs76555786, gnomAD 0.02%). This variant has not been reported in the literature in individuals affected with CUBN-related conditions. ClinVar contains an entry for this variant (Variation ID: 2073372). Invitae Evidence Modeling of protein sequence and biophysical properties (such as structural, functional, and spatial information, amino acid conservation, physicochemical variation, residue mobility, and thermodynamic stability) indicates that this missense variant is expected to disrupt CUBN protein function with a positive predictive value of 80%. In summary, the available evidence is currently insufficient to determine the role of this variant in disease. Therefore, it has been classified as a Variant of Uncertain Significance.

Fulgent Genetics
Classification: Uncertain significance for Imerslund-Grasbeck syndrome type 1; Proteinuria, chronic benign. Last evaluated: 2024-05-01. Review status: criteria provided, single submitter. Criteria: ACMG Guidelines, 2015. Collection method: clinical testing. Allele origin: germline.

Ambry Genetics
Classification: Uncertain significance for Inborn genetic diseases. Last evaluated: 2024-04-04. Review status: criteria provided, single submitter. Criteria: Ambry Variant Classification Scheme 2023. Collection method: clinical testing. Allele origin: germline.